The following is an entry in ClinVar:

ClinVar aggregate classification (germline): Uncertain significance. Review status: criteria provided, multiple submitters, no conflicts (2 of 4 stars). 2 submissions from 2 submitters: Uncertain significance (2). Last evaluated 2025-01-23.

Conditions:
Hereditary cancer-predisposing syndrome. Also called: Neoplastic Syndromes, Hereditary; Tumor predisposition; Hereditary Cancer Syndrome; Hereditary neoplastic syndrome. Identifiers: Orphanet 140162, MedGen C0027672, MeSH D009386, MONDO:0015356.

Submissions (2):

Labcorp Genetics (formerly Invitae), Labcorp
Classification: Uncertain significance. Last evaluated: 2025-01-23. Review status: criteria provided, single submitter. Criteria: Invitae Variant Classification Sherloc (09022015). Collection method: clinical testing. Allele origin: germline.
Comment: This sequence change replaces valine, which is neutral and non-polar, with methionine, which is neutral and non-polar, at codon 131 of the POLE protein (p.Val131Met). This variant is not present in population databases (gnomAD no frequency). This variant has not been reported in the literature in individuals affected with POLE-related conditions. ClinVar contains an entry for this variant (Variation ID: 1736183). Invitae Evidence Modeling of protein sequence and biophysical properties (such as structural, functional, and spatial information, amino acid conservation, physicochemical variation, residue mobility, and thermodynamic stability) indicates that this missense variant is not expected to disrupt POLE protein function with a negative predictive value of 80%. In summary, the available evidence is currently insufficient to determine the role of this variant in disease. Therefore, it has been classified as a Variant of Uncertain Significance.

Ambry Genetics
Classification: Uncertain significance for Hereditary cancer-predisposing syndrome. Last evaluated: 2022-10-27. Review status: criteria provided, single submitter. Criteria: Ambry Variant Classification Scheme 2023. Collection method: clinical testing. Allele origin: germline.
Comment: The p.V131M variant (also known as c.391G>A), located in coding exon 5 of the POLE gene, results from a G to A substitution at nucleotide position 391. The valine at codon 131 is replaced by methionine, an amino acid with highly similar properties. This amino acid position is conserved. In addition, this alteration is predicted to be tolerated by in silico analysis. Since supporting evidence is limited at this time, the clinical significance of this alteration remains unclear.

NM_006231.4(POLE):c.391G>A (p.Val131Met)

Gene: POLE (DNA polymerase epsilon, catalytic subunit; minus strand). Cytogenetic location: 12q24.33.
Variant type: single nucleotide variant.
Coding change: c.391G>A on transcript NM_006231.4 (MANE Select); coding-DNA position 391, G replaced by A.
Protein change: p.Val131Met; replaces valine 131 with methionine.
Molecular consequence: missense variant.
Genome position (GRCh38, 1-based): chr12:132,679,986, C>T on the plus strand (G>A on the coding strand, the complement: POLE is on the minus strand). VCF-style: chr12-132679986-C-T. GRCh37 (hg19) VCF-style: chr12-133256572-C-T.
Other names: short protein forms V131M.
Identifiers: ClinVar variation 1736183 (VCV001736183.4), dbSNP rs745601745, ClinGen allele CA387368063.
Genomic context (GRCh38, chr12:132,679,986, plus strand): 5'-ACCCCTGGAAAGTCTGGGTGATACTCACCAAGTCCAGATCCTCTTTGGGGACAGTCTCCA[C>T]TTTTGCAATTTTGCCCTGAAACTTCTTGGAGAGAAAAGATGAAACTTCTCGCTCACAACC-3'
Protein context (NP_006222.2, residues 121-141): SKKFQGKIAK[Val131Met]ETVPKEDLDL